The following is an entry in ClinVar:

ClinVar aggregate classification (germline): Pathogenic (1 of 4 stars; one submission).

Conditions:
Microcephaly 1, primary, autosomal recessive (MCPH1). Also called: PREMATURE CHROMOSOME CONDENSATION SYNDROME; PCC SYNDROME; PREMATURE CHROMOSOME CONDENSATION WITH MICROCEPHALY AND MENTAL RETARDATION. Identifiers: Orphanet 2512, MedGen C1855081, MONDO:0009617, OMIM 251200.

Submission:

Myriad Genetics, Inc.
Classification: Pathogenic for Microcephaly 1, primary, autosomal recessive. Last evaluated: 2024-04-24. Review status: criteria provided, single submitter. Criteria: Myriad Autosomal Dominant, Autosomal Recessive and X-Linked Classification Criteria (2023). Collection method: clinical testing. Allele origin: unknown.
Comment: NM_024596.3(MCPH1):c.169C>T(Q57*) is expected to be pathogenic in the context of primary microcephaly, MCPH1-related. This variant is predicted to lead to an abnormal or absent protein product due to the creation of a premature termination codon in MCPH1, a gene where loss-of-function variants are known to be pathogenic. Please note: this variant was assessed in the context of healthy population screening.

NM_024596.5(MCPH1):c.169C>T (p.Gln57Ter)

Gene: MCPH1 (microcephalin 1; plus strand). Cytogenetic location: 8p23.1.
Variant type: single nucleotide variant.
Coding change: c.169C>T on transcript NM_024596.5 (MANE Select); coding-DNA position 169, C replaced by T.
Protein change: p.Gln57Ter; replaces glutamine 57 with a stop codon.
Molecular consequence: nonsense. On other transcripts: non-coding transcript variant (1).
Genome position (GRCh38, 1-based): chr8:6,414,819, C>T. VCF-style: chr8-6414819-C-T. GRCh37 (hg19) VCF-style: chr8-6272340-C-T.
Other names: c.169C>T, p.Gln57Ter (NM_001172574.2, NM_001172575.2, NM_001322042.2 and 4 more transcripts); c.163C>T, p.Gln55Ter (NM_001322043.2); c.67C>T, p.Gln23Ter (NM_001322045.2); short protein forms Q23*, Q55*, Q57*.
Identifiers: ClinVar variation 5012956 (VCV005012956.1).
Genomic context (GRCh38, chr8:6,414,819, plus strand): 5'-CTACAGGTTTCAAAAACTTTTAACAAACAAGTAACTCACGTTATCTTCAAAGATGGCTAC[C>T]AGAGCACTTGGGACAAAGCTCAGAAGAGAGGCGTAAAGCTCGTTTCGGTGCTCTGGGTGG-3'